The following is an entry in ClinVar:

ClinVar aggregate classification (germline): Pathogenic. Review status: criteria provided, single submitter (1 of 4 stars). 2 submissions from 2 submitters: Pathogenic (1). 1 of the submissions does not count toward it. Last evaluated 2024-02-24.

Conditions:
Severe combined immunodeficiency, autosomal recessive, T cell-negative, B cell-negative, NK cell-negative, due to adenosine deaminase deficiency. Also called: SCID DUE TO ADA DEFICIENCY; SCID DUE TO ADA DEFICIENCY, EARLY-ONSET; ADA-SCID; ADA deficiency; Adenosine deaminase deficient severe combined immunodeficiency; Severe combined immunodeficiency due to ADA deficiency. Identifiers: Orphanet 277, MedGen C0392607, MONDO:0007064, OMIM 102700.

Allele frequency attached by ClinVar (database versions not stated): gnomAD exomes 0.00001 and 0.00002; TOPMed 0.00001; ExAC 0.00003.
gnomAD v4.1: 14 of 1,613,960 alleles (0.00087%); highest among the groups gnomAD compares: Non-Finnish European, 0.0012%; no homozygotes.

Submissions (2):

Labcorp Genetics (formerly Invitae), Labcorp
Classification: Pathogenic for Severe combined immunodeficiency, autosomal recessive, T cell-negative, B cell-negative, NK cell-negative, due to adenosine deaminase deficiency. Last evaluated: 2024-02-24. Review status: criteria provided, single submitter. Criteria: Invitae Variant Classification Sherloc (09022015). Collection method: clinical testing. Allele origin: germline.
Comment: This sequence change creates a premature translational stop signal (p.Trp117*) in the ADA gene. It is expected to result in an absent or disrupted protein product. Loss-of-function variants in ADA are known to be pathogenic (PMID: 26255240, 26376800). This variant is present in population databases (rs749484894, gnomAD 0.004%). This variant has not been reported in the literature in individuals affected with ADA-related conditions. ClinVar contains an entry for this variant (Variation ID: 554749). For these reasons, this variant has been classified as Pathogenic.

Counsyl
Classification: Likely pathogenic for Severe combined immunodeficiency, autosomal recessive, T cell-negative, B cell-negative, NK cell-negative, due to adenosine deaminase deficiency. Last evaluated: 2017-11-02. Review status: no assertion criteria provided. Collection method: clinical testing. Allele origin: unknown. Not counted in ClinVar's aggregate classification.

Literature cited by the submitters: PubMed 26255240 (cited by Labcorp Genetics (formerly Invitae), Labcorp); PubMed 26376800 (cited by Labcorp Genetics (formerly Invitae), Labcorp).

NM_000022.4(ADA):c.350G>A (p.Trp117Ter)

Gene: ADA (adenosine deaminase; minus strand). Cytogenetic location: 20q13.12.
Variant type: single nucleotide variant.
Coding change: c.350G>A on transcript NM_000022.4 (MANE Select); coding-DNA position 350, G replaced by A.
Protein change: p.Trp117Ter; replaces tryptophan 117 with a stop codon.
Molecular consequence: nonsense. On other transcripts: missense variant (1), non-coding transcript variant (1).
Genome position (GRCh38, 1-based): chr20:44,626,468, C>T on the plus strand (G>A on the coding strand, the complement: ADA is on the minus strand). VCF-style: chr20-44626468-C-T. GRCh37 (hg19) VCF-style: chr20-43255109-C-T.
Other names: c.61G>A, p.Gly21Arg (NM_001322050.2); c.350G>A, p.Trp117Ter (NM_001322051.2); short protein forms W117*, G21R.
Identifiers: ClinVar variation 554749 (VCV000554749.9), dbSNP rs749484894, ClinGen allele CA9871701.